The following is an entry in ClinVar:

ClinVar aggregate classification (germline): Pathogenic. Review status: criteria provided, multiple submitters, no conflicts (2 of 4 stars). 2 submissions from 2 submitters: Pathogenic (2). Last evaluated 2024-10-08.

Conditions:
DMD-related disorder. Also called: DMD-related condition.
Duchenne muscular dystrophy (DMD). Also called: MUSCULAR DYSTROPHY, PSEUDOHYPERTROPHIC PROGRESSIVE, DUCHENNE TYPE; Duchenne Muscular Dystrophy (DMD). Identifiers: Orphanet 98896, MedGen C0013264, MONDO:0010679, OMIM 310200.

Submissions (2):

Blueprint Genetics
Classification: Pathogenic for DMD-related disorders. Last evaluated: 2024-10-08. Review status: criteria provided, single submitter. Criteria: ACMG Guidelines, 2015. Collection method: clinical testing. Allele origin: germline. Affected: yes. Observed: 1 variant allele.

Labcorp Genetics (formerly Invitae), Labcorp
Classification: Pathogenic for Duchenne muscular dystrophy. Last evaluated: 2022-06-24. Review status: criteria provided, single submitter. Criteria: Invitae Variant Classification Sherloc (09022015). Collection method: clinical testing. Allele origin: germline.
Comment: This sequence change creates a premature translational stop signal (p.Trp1694*) in the DMD gene. It is expected to result in an absent or disrupted protein product. Loss-of-function variants in DMD are known to be pathogenic (PMID: 16770791, 25007885). For these reasons, this variant has been classified as Pathogenic. This premature translational stop signal has been observed in individual(s) with Duchenne muscular dystrophy (PMID: 28859693). This variant is not present in population databases (gnomAD no frequency).

Literature cited by the submitters: PubMed 16770791 (cited by Labcorp Genetics (formerly Invitae), Labcorp); PubMed 25007885 (cited by Labcorp Genetics (formerly Invitae), Labcorp); PubMed 28859693 (cited by Labcorp Genetics (formerly Invitae), Labcorp).

NM_004006.3(DMD):c.5081G>A (p.Trp1694Ter)

Gene: DMD (dystrophin; minus strand). Cytogenetic location: Xp21.1.
Variant type: single nucleotide variant.
Coding change: c.5081G>A on transcript NM_004006.3 (MANE Select); coding-DNA position 5081, G replaced by A.
Protein change: p.Trp1694Ter; replaces tryptophan 1694 with a stop codon.
Molecular consequence: nonsense.
Genome position (GRCh38, 1-based): chrX:32,364,655, C>T on the plus strand (G>A on the coding strand, the complement: DMD is on the minus strand). VCF-style: chrX-32364655-C-T. GRCh37 (hg19) VCF-style: chrX-32382772-C-T.
Other names: c.5057G>A, p.Trp1686Ter (NM_000109.4); c.5069G>A, p.Trp1690Ter (NM_004009.3); c.4712G>A, p.Trp1571Ter (NM_004010.3); c.1058G>A, p.Trp353Ter (NM_004011.4); c.1049G>A, p.Trp350Ter (NM_004012.4); short protein forms W1690*, W353*, W1686*, W1571*, W1694*, W350*.
Identifiers: ClinVar variation 2007436 (VCV002007436.5), dbSNP rs2522551518, ClinGen allele CA412671572.